The following is an entry in ClinVar:

ClinVar aggregate classification (germline): Conflicting classifications of pathogenicity. Review status: criteria provided, conflicting classifications (1 of 4 stars). 5 submissions from 5 submitters: Uncertain significance (2); Benign (1); Likely benign (1). 1 of the submissions does not count toward it. Last evaluated 2025-12-24.

Conditions:
Nemaline myopathy 2 (NEM2). Also called: Nemaline myopathy 2, autosomal recessive. Identifiers: MedGen C1850569, MONDO:0009725, OMIM 256030.

Allele frequency attached by ClinVar (database versions not stated): gnomAD 0.00009 and 0.00025; ExAC 0.00014; TOPMed 0.00006; 1000 Genomes Project 30x 0.00062; ESP Exome Variant Server 0.00008; gnomAD exomes 0.00008 and 0.00045; 1000 Genomes Project 0.00080.
gnomAD v4.1: 672 of 1,608,998 alleles (0.042%); highest among the groups gnomAD compares: East Asian, 1.4%; 11 homozygotes.

Submissions (5):

Labcorp Genetics (formerly Invitae), Labcorp
Classification: Likely benign for Nemaline myopathy 2. Last evaluated: 2025-12-24. Review status: criteria provided, single submitter. Criteria: Invitae Variant Classification Sherloc (09022015). Collection method: clinical testing. Allele origin: germline.

GeneDx
Classification: Uncertain significance. Last evaluated: 2025-06-11. Review status: criteria provided, single submitter. Criteria: GeneDx Variant Classification Process June 2021. Collection method: clinical testing. Allele origin: germline.
Comment: In silico analysis supports that this missense variant has a deleterious effect on protein structure/function; Has not been previously published as pathogenic or benign to our knowledge

Revvity Omics, Revvity
Classification: Uncertain significance. Last evaluated: 2024-04-26. Review status: criteria provided, single submitter. Criteria: ACMG Guidelines, 2015. Collection method: clinical testing. Allele origin: germline.

Illumina Laboratory Services, Illumina
Classification: Benign for Nemaline myopathy 2. Last evaluated: 2017-04-27. Review status: criteria provided, single submitter. Criteria: ICSL Variant Classification Criteria 13 December 2019. Collection method: clinical testing. Allele origin: germline.
Comment: This variant was observed as part of a predisposition screen in an ostensibly healthy population. A literature search was performed for the gene, cDNA change, and amino acid change (where applicable). No publications were found based on this search. Allele frequency data from public databases was too high to be consistent with this variant causing disease. Therefore, this variant is classified as benign.

Natera, Inc.
Classification: Uncertain significance for Nemaline myopathy type 2. Last evaluated: 2019-12-23. Review status: no assertion criteria provided. Collection method: clinical testing. Allele origin: germline. Not counted in ClinVar's aggregate classification.

NM_001164508.2(NEB):c.25163G>A (p.Arg8388His)

Genes: NEB (nebulin; minus strand), RIF1 (replication timing regulatory factor 1; plus strand). Cytogenetic location: 2q23.3.
Variant type: single nucleotide variant.
Coding change: c.25163G>A on transcript NM_001164508.2 (MANE Select); coding-DNA position 25163, G replaced by A.
Protein change: p.Arg8388His; replaces arginine 8388 with histidine.
Molecular consequence: missense variant.
Genome position (GRCh38, 1-based): chr2:151,490,506, C>T on the plus strand (G>A on the coding strand, the complement: NEB is on the minus strand). VCF-style: chr2-151490506-C-T. GRCh37 (hg19) VCF-style: chr2-152347020-C-T.
Other names: c.25163G>A, p.Arg8388His (NM_001164507.2); c.25268G>A, p.Arg8423His (NM_001271208.2); c.19595G>A, p.Arg6532His (NM_004543.5); short protein forms R8423H, R6532H, R8388H.
Identifiers: ClinVar variation 465588 (VCV000465588.17), dbSNP rs139333406, ClinGen allele CA1905792.